The following is an entry in ClinVar:

NM_005732.4(RAD50):c.3624A>T (p.Leu1208Phe)

Genes: TH2LCRR (T helper type 2 locus control region associated RNA; minus strand), RAD50 (RAD50 double strand break repair protein; plus strand), TH2-LCR (Th2 cytokine locus control region; plus strand). Cytogenetic location: 5q31.1.
Variant type: single nucleotide variant.
Coding change: c.3624A>T on transcript NM_005732.4 (MANE Select); coding-DNA position 3624, A replaced by T.
Protein change: p.Leu1208Phe; replaces leucine 1208 with phenylalanine.
Molecular consequence: missense variant.
Genome position (GRCh38, 1-based): chr5:132,640,677, A>T. VCF-style: chr5-132640677-A-T. GRCh37 (hg19) VCF-style: chr5-131976369-A-T.
Other names: c.3624A>T (NM_005732.3); short protein forms L1208F.
Identifiers: ClinVar variation 2822273 (VCV002822273.4), dbSNP rs2149865530, ClinGen allele CA360933467.

ClinVar aggregate classification (germline): Uncertain significance. Review status: criteria provided, multiple submitters, no conflicts (2 of 4 stars). 2 submissions from 2 submitters: Uncertain significance (2). Last evaluated 2025-08-25.

Conditions:
Hereditary cancer-predisposing syndrome. Also called: Neoplastic Syndromes, Hereditary; Hereditary neoplastic syndrome; Tumor predisposition; Hereditary Cancer Syndrome. Identifiers: Orphanet 140162, MedGen C0027672, MeSH D009386, MONDO:0015356.

Submissions (2):

Ambry Genetics
Classification: Uncertain significance for Hereditary cancer-predisposing syndrome. Last evaluated: 2025-08-25. Review status: criteria provided, single submitter. Criteria: Ambry Variant Classification Scheme 2023. Collection method: clinical testing. Allele origin: germline.
Comment: The p.L1208F variant (also known as c.3624A>T), located in coding exon 24 of the RAD50 gene, results from an A to T substitution at nucleotide position 3624. The leucine at codon 1208 is replaced by phenylalanine, an amino acid with highly similar properties. This amino acid position is conserved. In addition, this alteration is predicted to be deleterious by in silico analysis. Based on the available evidence, the clinical significance of this variant remains unclear.

Labcorp Genetics (formerly Invitae), Labcorp
Classification: Uncertain significance for Hereditary cancer-predisposing syndrome. Last evaluated: 2022-12-20. Review status: criteria provided, single submitter. Criteria: Invitae Variant Classification Sherloc (09022015). Collection method: clinical testing. Allele origin: germline.
Comment: In summary, the available evidence is currently insufficient to determine the role of this variant in disease. Therefore, it has been classified as a Variant of Uncertain Significance. Advanced modeling of protein sequence and biophysical properties (such as structural, functional, and spatial information, amino acid conservation, physicochemical variation, residue mobility, and thermodynamic stability) performed at Invitae indicates that this missense variant is expected to disrupt RAD50 protein function. This variant has not been reported in the literature in individuals affected with RAD50-related conditions. This variant is not present in population databases (gnomAD no frequency). This sequence change replaces leucine, which is neutral and non-polar, with phenylalanine, which is neutral and non-polar, at codon 1208 of the RAD50 protein (p.Leu1208Phe).